The following is an entry in ClinVar:

NM_020923.3(ZDBF2):c.4000A>G (p.Asn1334Asp)

Gene: ZDBF2 (zinc finger DBF-type containing 2; plus strand). Cytogenetic location: 2q33.3.
Variant type: single nucleotide variant.
Coding change: c.4000A>G on transcript NM_020923.3 (MANE Select); coding-DNA position 4000, A replaced by G.
Protein change: p.Asn1334Asp; replaces asparagine 1334 with aspartic acid.
Molecular consequence: missense variant.
Genome position (GRCh38, 1-based): chr2:206,308,528, A>G. VCF-style: chr2-206308528-A-G. GRCh37 (hg19) VCF-style: chr2-207173252-A-G.
Other names: c.3994A>G, p.Asn1332Asp (NM_001285549.2); c.4000A>G, p.Asn1334Asp (NM_001369654.1); short protein forms N1332D, N1334D.
Identifiers: ClinVar variation 1915222 (VCV001915222.6), dbSNP rs541497187, ClinGen allele CA63662040.

ClinVar aggregate classification (germline): Uncertain significance. Review status: criteria provided, multiple submitters, no conflicts (2 of 4 stars). 2 submissions from 2 submitters: Uncertain significance (2). Last evaluated 2022-06-02.

Allele frequency attached by ClinVar (database versions not stated): gnomAD 0.00001; gnomAD exomes 0.00001; TOPMed 0.00001.
gnomAD v4.1: 11 of 1,613,256 alleles (0.00068%); highest among the groups gnomAD compares: Admixed American, 0.0017%; no homozygotes.

Submissions (2):

Labcorp Genetics (formerly Invitae), Labcorp
Classification: Uncertain significance. Last evaluated: 2022-06-02. Review status: criteria provided, single submitter. Criteria: Invitae Variant Classification Sherloc (09022015). Collection method: clinical testing. Allele origin: germline.
Comment: In summary, the available evidence is currently insufficient to determine the role of this variant in disease. Therefore, it has been classified as a Variant of Uncertain Significance. Algorithms developed to predict the effect of missense changes on protein structure and function output the following: SIFT: "Deleterious"; PolyPhen-2: "Benign"; Align-GVGD: "Class C0". The aspartic acid amino acid residue is found in multiple mammalian species, which suggests that this missense change does not adversely affect protein function. This sequence change replaces asparagine, which is neutral and polar, with aspartic acid, which is acidic and polar, at codon 1334 of the ZDBF2 protein (p.Asn1334Asp). This variant is present in population databases (rs541497187, gnomAD 0.003%). This variant has not been reported in the literature in individuals affected with ZDBF2-related conditions.

Ambry Genetics
Classification: Uncertain significance. Last evaluated: 2021-09-01. Review status: criteria provided, single submitter. Criteria: Ambry Variant Classification Scheme 2023. Collection method: clinical testing. Allele origin: germline.